The following is an entry in ClinVar:

ClinVar aggregate classification (germline): Uncertain significance (1 of 4 stars; one submission).

Submission:

Labcorp Genetics (formerly Invitae), Labcorp
Classification: Uncertain significance. Last evaluated: 2024-04-05. Review status: criteria provided, single submitter. Criteria: Invitae Variant Classification Sherloc (09022015). Collection method: clinical testing. Allele origin: germline.
Comment: This variant, c.3858_3878del, results in the deletion of 7 amino acid(s) of the BRD4 protein (p.Arg1290_Gln1296del), but otherwise preserves the integrity of the reading frame. The frequency data for this variant in the population databases is considered unreliable, as metrics indicate poor data quality at this position in the gnomAD database. This variant has not been reported in the literature in individuals affected with BRD4-related conditions. Experimental studies and prediction algorithms are not available or were not evaluated, and the functional significance of this variant is currently unknown. In summary, the available evidence is currently insufficient to determine the role of this variant in disease. Therefore, it has been classified as a Variant of Uncertain Significance.

NM_001379291.1(BRD4):c.3858_3878del (p.Arg1290_Gln1296del)

Gene: BRD4 (bromodomain containing 4; minus strand). Cytogenetic location: 19p13.12.
Variant type: Deletion.
Coding change: c.3858_3878del on transcript NM_001379291.1 (MANE Select); coding-DNA positions 3858 to 3878, 21 bases deleted (GCAGCAGCAGCGCCAGGAGCA).
Protein change: p.Arg1290_Gln1296del.
Genome position (GRCh38, 1-based): chr19:15,238,885-15,238,905, TGCTCCTGGCGCTGCTGCTGC deleted on the plus strand (GCAGCAGCAGCGCCAGGAGCA on the coding strand, the reverse complement: BRD4 is on the minus strand); deleting any 21 consecutive bases within chr19:15,238,885-15,238,909 gives the same sequence; the c. name uses the placement nearest the transcript's 3' end. VCF-style (leftmost placement, unchanged base first): chr19-15238884-TTGCTCCTGGCGCTGCTGCTGC-T. GRCh37 (hg19) VCF-style: chr19-15349695-TTGCTCCTGGCGCTGCTGCTGC-T.
Other names: c.3858_3878del, p.Arg1290_Gln1296del (NM_058243.3).
Identifiers: ClinVar variation 3687415 (VCV003687415.2).